The following is an entry in ClinVar:

ClinVar aggregate classification (germline): other (0 of 4 stars; one submission).

Conditions:
Familial colorectal cancer. Identifiers: MedGen CN280943, MONDO:0023113. Disease mechanism: loss of function.

Allele frequency attached by ClinVar (database versions not stated): gnomAD 0.00001; TOPMed below 0.00001.

Submission:

Systems Biology Platform Zhejiang California International NanoSystems Institute
Classification: other for Familial colorectal cancer. Review status: no assertion criteria provided. Collection method: not provided. Allele origin: unknown.
ClinVar note: Converted during submission from cancer to other.

NM_000038.6(APC):c.422+1942T>G

Gene: APC (APC regulator of WNT signaling pathway; plus strand). Cytogenetic location: 5q22.2.
Variant type: single nucleotide variant.
Coding change: c.422+1942T>G on transcript NM_000038.6 (MANE Select); 1942 bases into the intron after coding-DNA position 422, T replaced by G.
Molecular consequence: intron variant.
Genome position (GRCh38, 1-based): chr5:112,769,332, T>G. VCF-style: chr5-112769332-T-G. GRCh37 (hg19) VCF-style: chr5-112105029-T-G.
Other names: c.422+1942T>G (NM_001354895.2, NM_001127510.3, NM_001354896.2 and 2 more transcripts); c.452+1942T>G (NM_001354897.2, NM_001354902.2, NM_001127511.3); c.347+1942T>G (NM_001354898.2, NM_001354904.2); c.-614+1942T>G (NM_001354906.2); c.245+1942T>G (NM_001354900.2, NM_001354901.2, NM_001354905.2).
Identifiers: ClinVar variation 82882 (VCV000082882.2), dbSNP rs74789138, ClinGen allele CA009045.
Genomic context (GRCh38, chr5:112,769,332, plus strand): 5'-ATCTCCTGACCTCAGGTGATCTGCCTGCCTTGGCCTCCCAAAGTTTTGGGATTACAGGCA[T>G]GAGCCACTGCGCCTGGCCAACAAAACATTTCTTAATGTATAAGTTTTAATACCTGAAAAA-3'